The following is an entry in ClinVar:

NM_032806.6(POMGNT2):c.561C>T (p.His187=)

Gene: POMGNT2 (protein O-linked mannose N-acetylglucosaminyltransferase 2 (beta 1,4-); minus strand). Cytogenetic location: 3p22.1.
Variant type: single nucleotide variant.
Coding change: c.561C>T on transcript NM_032806.6 (MANE Select); coding-DNA position 561, C replaced by T.
Protein change: p.His187=; no amino-acid change (histidine 187 retained).
Molecular consequence: synonymous variant.
Genome position (GRCh38, 1-based): chr3:43,080,871, G>A on the plus strand (C>T on the coding strand, the complement: POMGNT2 is on the minus strand). VCF-style: chr3-43080871-G-A. GRCh37 (hg19) VCF-style: chr3-43122363-G-A.
Other names: p.His187=.
Identifiers: ClinVar variation 262107 (VCV000262107.48), dbSNP rs147429438, ClinGen allele CA2340042.

ClinVar aggregate classification (germline): Conflicting classifications of pathogenicity. Review status: criteria provided, conflicting classifications (1 of 4 stars). 7 submissions from 7 submitters: Uncertain significance (1); Likely benign (6). Last evaluated 2026-08-01.

Conditions:
Muscular dystrophy-dystroglycanopathy (congenital with brain and eye anomalies), type a, 8 (MDDGA8). Also called: WALKER-WARBURG SYNDROME OR MUSCLE-EYE-BRAIN DISEASE, GTDC2-RELATED. Identifiers: Orphanet 899, MedGen C3553813, MONDO:0013904, OMIM 614830.

Allele frequency attached by ClinVar (database versions not stated): ExAC 0.00030; ESP Exome Variant Server 0.00038; gnomAD 0.00059; TOPMed 0.00094.
gnomAD v4.1: 997 of 1,613,998 alleles (0.062%); highest among the groups gnomAD compares: Admixed American, 0.17%; 1 homozygote.

Submissions (7):

CeGaT Center for Human Genetics Tuebingen
Classification: Likely benign. Last evaluated: 2026-08-01. Review status: criteria provided, single submitter. Criteria: CeGaT Center For Human Genetics Tuebingen Variant Classification Criteria Version 2. Collection method: clinical testing. Allele origin: germline. Affected: yes. Observed: 2 variant alleles.
Comment: POMGNT2: BP4, BP7

Labcorp Genetics (formerly Invitae), Labcorp
Classification: Likely benign for Muscular dystrophy-dystroglycanopathy (congenital with brain and eye anomalies), type a, 8. Last evaluated: 2026-01-19. Review status: criteria provided, single submitter. Criteria: Invitae Variant Classification Sherloc (09022015). Collection method: clinical testing. Allele origin: germline.

Mayo Clinic Laboratories, Mayo Clinic
Classification: Likely benign. Last evaluated: 2025-09-17. Review status: criteria provided, single submitter. Criteria: ACMG Guidelines, 2015. Collection method: clinical testing. Allele origin: germline. Observed: 1 variant allele.
Comment: BS1, BP4, BP7

Blueprint Genetics
Classification: Likely benign. Last evaluated: 2024-08-30. Review status: criteria provided, single submitter. Criteria: ACMG Guidelines, 2015. Collection method: clinical testing. Allele origin: germline.

GeneDx
Classification: Likely benign. Last evaluated: 2018-01-05. Review status: criteria provided, single submitter. Criteria: GeneDx Variant Classification (06012015). Collection method: clinical testing. Allele origin: germline. Affected: yes.
Comment: This variant is considered likely benign or benign based on one or more of the following criteria: it is a conservative change, it occurs at a poorly conserved position in the protein, it is predicted to be benign by multiple in silico algorithms, and/or has population frequency not consistent with disease.

Genetic Services Laboratory, University of Chicago
Classification: Uncertain significance. Last evaluated: 2015-08-13. Review status: criteria provided, single submitter. Criteria: ACMG Guidelines, 2015. Collection method: clinical testing. Allele origin: germline. Affected: no.

PreventionGenetics, part of Exact Sciences
Classification: Likely benign. Review status: criteria provided, single submitter. Criteria: ACMG Guidelines, 2015. Collection method: clinical testing. Allele origin: germline.